The following is an entry in ClinVar:

ClinVar aggregate classification (germline): Likely pathogenic (1 of 4 stars; one submission).

Conditions:
Aicardi-Goutieres syndrome 5. Identifiers: Orphanet 51, MedGen C2749659, MONDO:0013059, OMIM 612952.

Allele frequency attached by ClinVar (database versions not stated): gnomAD exomes 0.00001; TOPMed 0.00001.
gnomAD v4.1: 11 of 1,614,030 alleles (0.00068%); highest among the groups gnomAD compares: Non-Finnish European, 0.00093%; no homozygotes.

Submission:

Labcorp Genetics (formerly Invitae), Labcorp
Classification: Likely pathogenic for Aicardi-Goutieres syndrome 5. Last evaluated: 2024-05-15. Review status: criteria provided, single submitter. Criteria: Invitae Variant Classification Sherloc (09022015). Collection method: clinical testing. Allele origin: germline.
Comment: This sequence change affects an acceptor splice site in intron 14 of the SAMHD1 gene. It is expected to disrupt RNA splicing. Variants that disrupt the donor or acceptor splice site typically lead to a loss of protein function (PMID: 16199547), and loss-of-function variants in SAMHD1 are known to be pathogenic (PMID: 19525956, 22461318). This variant is not present in population databases (gnomAD no frequency). Disruption of this splice site has been observed in individual(s) with Aicardi-Goutieres syndrome (PMID: 19525956). ClinVar contains an entry for this variant (Variation ID: 1479994). Studies have shown that disruption of this splice site is associated with inconclusive levels of altered splicing (PMID: 19525956). In summary, the currently available evidence indicates that the variant is pathogenic, but additional data are needed to prove that conclusively. Therefore, this variant has been classified as Likely Pathogenic.

Literature cited by the submitters: PubMed 16199547; PubMed 19525956; PubMed 22461318.

NM_015474.4(SAMHD1):c.1609-2A>G

Gene: SAMHD1 (SAM and HD domain containing deoxynucleoside triphosphate triphosphohydrolase 1; minus strand). Cytogenetic location: 20q11.23.
Variant type: single nucleotide variant.
Coding change: c.1609-2A>G on transcript NM_015474.4 (MANE Select); the canonical splice acceptor site of the intron before coding-DNA position 1609, A replaced by G.
Molecular consequence: splice acceptor variant.
Genome position (GRCh38, 1-based): chr20:36,897,961, T>C on the plus strand (A>G on the coding strand, the complement: SAMHD1 is on the minus strand). VCF-style: chr20-36897961-T-C. GRCh37 (hg19) VCF-style: chr20-35526364-T-C.
Other names: c.1504-2A>G (NM_001363729.2); c.1609-2A>G (NM_001363733.2).
Identifiers: ClinVar variation 1479994 (VCV001479994.6), dbSNP rs1700306908, ClinGen allele CA408839618.